The following is an entry in ClinVar:

NM_000334.4(SCN4A):c.3502C>A (p.Leu1168Ile)

Genes: GH-LCR (growth hormone locus control region; plus strand), SCN4A (sodium voltage-gated channel alpha subunit 4; minus strand). Cytogenetic location: 17q23.3.
Variant type: single nucleotide variant.
Coding change: c.3502C>A on transcript NM_000334.4 (MANE Select); coding-DNA position 3502, C replaced by A.
Protein change: p.Leu1168Ile; replaces leucine 1168 with isoleucine.
Molecular consequence: missense variant.
Genome position (GRCh38, 1-based): chr17:63,945,578, G>T on the plus strand (C>A on the coding strand, the complement: SCN4A is on the minus strand). VCF-style: chr17-63945578-G-T. GRCh37 (hg19) VCF-style: chr17-62022938-G-T.
Other names: short protein forms L1168I.
Identifiers: ClinVar variation 2636391 (VCV002636391.1), dbSNP rs978717883, ClinGen allele CA292961722.
Genomic context (GRCh38, chr17:63,945,578, plus strand): 5'-AGTAGAACTTGCCGGCAAACAGGTTGACACCCATGATGCTGAAGATCAGCCAGAAGATGA[G>T]GCAGACAAGCAGCACATTCATGATGGAGGGGATGGCGCCTAGGAGGGCGTTCACCACCAC-3'
Protein context (NP_000325.4, residues 1158-1178): PSIMNVLLVC[Leu1168Ile]IFWLIFSIMG

ClinVar aggregate classification (germline): Uncertain significance (1 of 4 stars; one submission).

Conditions:
SCN4A-related disorder. Also called: SCN4A-related disorders.

gnomAD v4.1: 1 of 1,614,046 alleles (0.000062%); highest among the groups gnomAD compares: Non-Finnish European, 0.000085%; no homozygotes.

Submission:

PreventionGenetics, part of Exact Sciences
Classification: Uncertain significance for SCN4A-related condition. Last evaluated: 2023-02-06. Review status: criteria provided, single submitter. Criteria: ACMG Guidelines, 2015. Collection method: clinical testing. Allele origin: germline.
Comment: The SCN4A c.3502C>A variant is predicted to result in the amino acid substitution p.Leu1168Ile. To our knowledge, this variant has not been reported in the literature. This variant is reported in 0.00088% of alleles in individuals of European (Non-Finnish) descent in gnomAD. At this time, the clinical significance of this variant is uncertain due to the absence of conclusive functional and genetic evidence.